The following is an entry in ClinVar:

ClinVar aggregate classification (germline): Likely benign. Review status: criteria provided, single submitter (1 of 4 stars). 2 submissions from 2 submitters: Likely benign (1). 1 of the submissions does not count toward it. Last evaluated 2026-07-31.

Conditions:
Familial colorectal cancer type X. Identifiers: Orphanet 440437, MedGen C3896578, MONDO:0018604.
RPS20-related disorder. Also called: RPS20-related condition.

Submissions (2):

Myriad Genetics, Inc.
Classification: Likely benign for Familial colorectal cancer type X. Last evaluated: 2026-07-31. Review status: criteria provided, single submitter. Criteria: Myriad Autosomal Dominant, Autosomal Recessive and X-Linked Classification Criteria (2023). Collection method: clinical testing. Allele origin: unknown.
Comment: This variant is considered likely benign. This variant is intronic and is not expected to impact mRNA splicing.

PreventionGenetics, part of Exact Sciences
Classification: Likely benign for RPS20-related condition. Last evaluated: 2021-02-15. Review status: no assertion criteria provided. Collection method: clinical testing. Allele origin: germline. Not counted in ClinVar's aggregate classification.
Comment: This variant is classified as likely benign based on ACMG/AMP sequence variant interpretation guidelines (Richards et al. 2015 PMID: 25741868, with internal and published modifications).

NM_001023.4(RPS20):c.3+10C>A

Gene: RPS20 (ribosomal protein S20; minus strand). Cytogenetic location: 8q12.1.
Variant type: single nucleotide variant.
Coding change: c.3+10C>A on transcript NM_001023.4 (MANE Select); 10 bases into the intron after coding-DNA position 3, C replaced by A.
Molecular consequence: intron variant.
Genome position (GRCh38, 1-based): chr8:56,074,371, G>T on the plus strand (C>A on the coding strand, the complement: RPS20 is on the minus strand). VCF-style: chr8-56074371-G-T. GRCh37 (hg19) VCF-style: chr8-56986930-G-T.
Other names: c.3+10C>A (NM_001146227.3).
Identifiers: ClinVar variation 3030181 (VCV003030181.3), dbSNP rs1355712438, ClinGen allele CA2687331453.
Genomic context (GRCh38, chr8:56,074,371, plus strand): 5'-AACTCGAAACCGGGGTCCCCCCGGCGCCCGAGCCCTGCGTTGCGCCGCCCGCCGCCGACT[G>T]CCGCCTCACCATGGCTGTTGCGCGCGGGCTTCCTGACCGACTTGTTCCTCGGCGAGAGCG-3'